The following is an entry in ClinVar:

NM_000152.5(GAA):c.956A>G (p.Asp319Gly)

Gene: GAA (alpha glucosidase; plus strand). Cytogenetic location: 17q25.3.
Variant type: single nucleotide variant.
Coding change: c.956A>G on transcript NM_000152.5 (MANE Select); coding-DNA position 956, A replaced by G.
Protein change: p.Asp319Gly; replaces aspartic acid 319 with glycine.
Molecular consequence: missense variant.
Genome position (GRCh38, 1-based): chr17:80,108,290, A>G. VCF-style: chr17-80108290-A-G. GRCh37 (hg19) VCF-style: chr17-78082089-A-G.
Other names: c.956A>G, p.Asp319Gly (NM_001079803.3, NM_001079804.3, NM_001406741.1 and 1 more transcripts); short protein forms D319G.
Identifiers: ClinVar variation 1896855 (VCV001896855.6), dbSNP rs2510361773, ClinGen allele CA401364363.

ClinVar aggregate classification (germline): Uncertain significance. Review status: criteria provided, multiple submitters, no conflicts (2 of 4 stars). 2 submissions from 2 submitters: Uncertain significance (2). Last evaluated 2025-09-12.

Conditions:
Glycogen storage disease, type II (IOPD). Also called: Glucosidase acid-1,4-alpha deficiency; Pompe Disease; POMPE DISEASE, INFANTILE-ONSET; GLYCOGEN STORAGE DISEASE II, INFANTILE-ONSET; ACID ALPHA-GLUCOSIDASE DEFICIENCY, INFANTILE-ONSET; GAA DEFICIENCY, INFANTILE-ONSET. Identifiers: Orphanet 365, MedGen C0017921, MONDO:0009290, OMIM 232300.

gnomAD v4.1: 4 of 1,613,422 alleles (0.00025%); highest among the groups gnomAD compares: Non-Finnish European, 0.00017%; no homozygotes.

Submissions (2):

Myriad Genetics, Inc.
Classification: Uncertain significance for Glycogen storage disease, type II. Last evaluated: 2025-09-12. Review status: criteria provided, single submitter. Criteria: Myriad Autosomal Dominant, Autosomal Recessive and X-Linked Classification Criteria (2023). Collection method: clinical testing. Allele origin: unknown.
Comment: NM_000152.3(GAA):c.956A>G(D319G) is a missense variant classified as a variant of uncertain significance in the context of Pompe disease. D319G has not been observed in cases with relevant disease. Relevant functional assessments of this variant are not available in the literature. D319G has not been observed in referenced population frequency databases. In summary, there is insufficient evidence to classify NM_000152.3(GAA):c.956A>G(D319G) as pathogenic or benign. Please note: this variant was assessed in the context of healthy population screening.

Labcorp Genetics (formerly Invitae), Labcorp
Classification: Uncertain significance for Glycogen storage disease, type II. Last evaluated: 2022-07-17. Review status: criteria provided, single submitter. Criteria: Invitae Variant Classification Sherloc (09022015). Collection method: clinical testing. Allele origin: germline.
Comment: In summary, the available evidence is currently insufficient to determine the role of this variant in disease. Therefore, it has been classified as a Variant of Uncertain Significance. Algorithms developed to predict the effect of missense changes on protein structure and function are either unavailable or do not agree on the potential impact of this missense change (SIFT: "Tolerated"; PolyPhen-2: "Probably Damaging"; Align-GVGD: "Class C0"). This variant has not been reported in the literature in individuals affected with GAA-related conditions. This variant is not present in population databases (gnomAD no frequency). This sequence change replaces aspartic acid, which is acidic and polar, with glycine, which is neutral and non-polar, at codon 319 of the GAA protein (p.Asp319Gly).